The following is an entry in ClinVar:

ClinVar aggregate classification (germline): Uncertain significance. Review status: criteria provided, multiple submitters, no conflicts (2 of 4 stars). 4 submissions from 4 submitters: Uncertain significance (4). Last evaluated 2024-07-30.

Conditions:
Gorlin syndrome. Also called: Nevoid Basal Cell Carcinoma Syndrome; Basal cell nevus syndrome. Identifiers: Orphanet 377, MedGen C0004779, MONDO:0007187.
Hereditary cancer-predisposing syndrome. Also called: Hereditary Cancer Syndrome; Neoplastic Syndromes, Hereditary; Hereditary neoplastic syndrome; Tumor predisposition. Identifiers: Orphanet 140162, MedGen C0027672, MeSH D009386, MONDO:0015356.

Allele frequency attached by ClinVar (database versions not stated): TOPMed below 0.00001.

Submissions (4):

Labcorp Genetics (formerly Invitae), Labcorp
Classification: Uncertain significance for Gorlin syndrome. Last evaluated: 2024-07-30. Review status: criteria provided, single submitter. Criteria: Invitae Variant Classification Sherloc (09022015). Collection method: clinical testing. Allele origin: germline.
Comment: This sequence change replaces valine, which is neutral and non-polar, with methionine, which is neutral and non-polar, at codon 469 of the PTCH1 protein (p.Val469Met). This variant is not present in population databases (gnomAD no frequency). This variant has not been reported in the literature in individuals affected with PTCH1-related conditions. ClinVar contains an entry for this variant (Variation ID: 819128). Advanced modeling of protein sequence and biophysical properties (such as structural, functional, and spatial information, amino acid conservation, physicochemical variation, residue mobility, and thermodynamic stability) performed at Invitae indicates that this missense variant is not expected to disrupt PTCH1 protein function with a negative predictive value of 95%. In summary, the available evidence is currently insufficient to determine the role of this variant in disease. Therefore, it has been classified as a Variant of Uncertain Significance.

Ambry Genetics
Classification: Uncertain significance for Hereditary cancer-predisposing syndrome. Last evaluated: 2024-04-26. Review status: criteria provided, single submitter. Criteria: Ambry Variant Classification Scheme 2023. Collection method: clinical testing. Allele origin: germline.
Comment: The p.V469M variant (also known as c.1405G>A), located in coding exon 10 of the PTCH1 gene, results from a G to A substitution at nucleotide position 1405. The valine at codon 469 is replaced by methionine, an amino acid with highly similar properties. This amino acid position is highly conserved in available vertebrate species. In addition, this alteration is predicted to be deleterious by in silico analysis. Since supporting evidence is limited at this time, the clinical significance of this alteration remains unclear.

Quest Diagnostics Nichols Institute San Juan Capistrano
Classification: Uncertain significance. Last evaluated: 2024-03-06. Review status: criteria provided, single submitter. Criteria: Quest Diagnostics criteria. Collection method: clinical testing. Allele origin: unknown.
Comment: The PTCH1 c.1405G>A (p.Val469Met) variant has not been reported in individuals with PTCH1-related conditions in the published literature. It also has not been reported in large, multi-ethnic general populations (Genome Aggregation Database). Analysis of this variant using bioinformatics tools for the prediction of the effect of amino acid changes on protein structure and function yielded predictions that this variant is damaging. Based on the available information, we are unable to determine the clinical significance of this variant.

GeneDx
Classification: Uncertain significance. Last evaluated: 2023-10-10. Review status: criteria provided, single submitter. Criteria: GeneDx Variant Classification Process June 2021. Collection method: clinical testing. Allele origin: germline. Affected: yes.
Comment: Not observed at significant frequency in large population cohorts (gnomAD); In silico analysis supports that this missense variant does not alter protein structure/function; Observed as a de novo variant in an individual with autism spectrum disorder; however, additional clinical information was not provided (PMID: 29346770); This variant is associated with the following publications: (PMID: 29346770)

NM_000264.5(PTCH1):c.1405G>A (p.Val469Met)

Gene: PTCH1 (patched 1; minus strand). Cytogenetic location: 9q22.32.
Variant type: single nucleotide variant.
Coding change: c.1405G>A on transcript NM_000264.5 (MANE Select); coding-DNA position 1405, G replaced by A.
Protein change: p.Val469Met; replaces valine 469 with methionine.
Molecular consequence: missense variant. On other transcripts: non-coding transcript variant (1), intron variant (1).
Genome position (GRCh38, 1-based): chr9:95,477,645, C>T on the plus strand (G>A on the coding strand, the complement: PTCH1 is on the minus strand). VCF-style: chr9-95477645-C-T. GRCh37 (hg19) VCF-style: chr9-98239927-C-T.
Other names: c.952G>A, p.Val318Met (NM_001083605.3, NM_001083606.3, NM_001083607.3 and 1 more transcripts); c.1347+410G>A (NM_001354918.2); c.1207G>A, p.Val403Met (NM_001083602.3); c.1402G>A, p.Val468Met (NM_001083603.3); c.1405G>A (NM_000264.4); short protein forms V403M, V318M, V468M, V469M.
Identifiers: ClinVar variation 819128 (VCV000819128.17), dbSNP rs1438523462, ClinGen allele CA374118563.